The following is an entry in ClinVar:

NM_206933.4(USH2A):c.8223+2del

Gene: USH2A (usherin; minus strand). Cytogenetic location: 1q41.
Variant type: Deletion.
Coding change: c.8223+2del on transcript NM_206933.4 (MANE Select); the canonical splice donor site of the intron after coding-DNA position 8223, one base deleted (T; older notation c.8223+2delT).
Molecular consequence: splice donor variant.
Genome position (GRCh38, 1-based): chr1:215,888,424, A deleted on the plus strand (T on the coding strand, the reverse complement: USH2A is on the minus strand). VCF-style (leftmost placement, unchanged base first): chr1-215888423-TA-T. GRCh37 (hg19) VCF-style: chr1-216061765-TA-T.
Identifiers: ClinVar variation 3652511 (VCV003652511.2).

ClinVar aggregate classification (germline): Likely pathogenic (1 of 4 stars; one submission).

Submission:

Labcorp Genetics (formerly Invitae), Labcorp
Classification: Likely pathogenic. Last evaluated: 2024-05-07. Review status: criteria provided, single submitter. Criteria: Invitae Variant Classification Sherloc (09022015). Collection method: clinical testing. Allele origin: germline.
Comment: This sequence change affects a splice site in intron 41 of the USH2A gene. It is expected to disrupt RNA splicing. Variants that disrupt the donor or acceptor splice site typically lead to a loss of protein function (PMID: 16199547), and loss-of-function variants in USH2A are known to be pathogenic (PMID: 10729113, 10909849, 20507924, 25649381). This variant is not present in population databases (gnomAD no frequency). This variant has not been reported in the literature in individuals affected with USH2A-related conditions. Algorithms developed to predict the effect of sequence changes on RNA splicing suggest that this variant may disrupt the consensus splice site. In summary, the currently available evidence indicates that the variant is pathogenic, but additional data are needed to prove that conclusively. Therefore, this variant has been classified as Likely Pathogenic.

Literature cited by the submitters: PubMed 16199547; PubMed 10729113; PubMed 10909849; PubMed 20507924; PubMed 25649381.